The following is an entry in ClinVar:

NM_001035.3(RYR2):c.14198A>G (p.His4733Arg)

Gene: RYR2 (ryanodine receptor 2; plus strand). Cytogenetic location: 1q43.
Variant type: single nucleotide variant.
Coding change: c.14198A>G on transcript NM_001035.3 (MANE Select); coding-DNA position 14198, A replaced by G.
Protein change: p.His4733Arg; replaces histidine 4733 with arginine.
Molecular consequence: missense variant.
Genome position (GRCh38, 1-based): chr1:237,806,183, A>G. VCF-style: chr1-237806183-A-G. GRCh37 (hg19) VCF-style: chr1-237969483-A-G.
Other names: short protein forms H4733R.
Identifiers: ClinVar variation 2988756 (VCV002988756.3), dbSNP rs2528137377, ClinGen allele CA345422846.

ClinVar aggregate classification (germline): Uncertain significance (1 of 4 stars; one submission).

Conditions:
Catecholaminergic polymorphic ventricular tachycardia 1. Also called: RYR2-Related Catecholaminergic Polymorphic Ventricular Tachycardia; VENTRICULAR TACHYCARDIA, STRESS-INDUCED POLYMORPHIC 1; VENTRICULAR TACHYCARDIA, CATECHOLAMINERGIC POLYMORPHIC, 1, WITH OR WITHOUT ATRIAL DYSFUNCTION AND/OR DILATED CARDIOMYOPATHY. Identifiers: Orphanet 3286, MedGen C1631597, MONDO:0011484, OMIM 604772.

Submission:

Labcorp Genetics (formerly Invitae), Labcorp
Classification: Uncertain significance for Catecholaminergic polymorphic ventricular tachycardia 1. Last evaluated: 2023-01-24. Review status: criteria provided, single submitter. Criteria: Invitae Variant Classification Sherloc (09022015). Collection method: clinical testing. Allele origin: germline.
Comment: In summary, the available evidence is currently insufficient to determine the role of this variant in disease. Therefore, it has been classified as a Variant of Uncertain Significance. Advanced modeling of protein sequence and biophysical properties (such as structural, functional, and spatial information, amino acid conservation, physicochemical variation, residue mobility, and thermodynamic stability) has been performed at Invitae for this missense variant, however the output from this modeling did not meet the statistical confidence thresholds required to predict the impact of this variant on RYR2 protein function. This variant has not been reported in the literature in individuals affected with RYR2-related conditions. This variant is not present in population databases (gnomAD no frequency). This sequence change replaces histidine, which is basic and polar, with arginine, which is basic and polar, at codon 4733 of the RYR2 protein (p.His4733Arg).